The following is an entry in ClinVar:

ClinVar aggregate classification (germline): Uncertain significance (1 of 4 stars; one submission).

Conditions:
Arrhythmogenic right ventricular dysplasia 12. Also called: ARRHYTHMOGENIC RIGHT VENTRICULAR DYSPLASIA, FAMILIAL, 12. Identifiers: MedGen C1969081, MONDO:0012684, OMIM 611528.
Naxos disease (NXD). Also called: PALMOPLANTAR KERATODERMA WITH ARRHYTHMOGENIC RIGHT VENTRICULAR CARDIOMYOPATHY AND WOOLLY HAIR; WOOLLY HAIR, PALMOPLANTAR KERATODERMA, AND CARDIAC ABNORMALITIES; KERATOSIS PALMOPLANTARIS WITH ARRHYTHMOGENIC CARDIOMYOPATHY; MAL DE NAXOS; CARDIOMYOPATHY, ARRHYTHMOGENIC RIGHT VENTRICULAR, WITH SKIN, HAIR, AND NAIL ABNORMALITIES. Identifiers: Orphanet 34217, MedGen C1832600, MONDO:0011017, OMIM 601214.

Allele frequency attached by ClinVar (database versions not stated): gnomAD exomes below 0.00001.
gnomAD v4.1: 4 of 1,614,158 alleles (0.00025%); highest among the groups gnomAD compares: South Asian, 0.0011%; no homozygotes.

Submission:

Labcorp Genetics (formerly Invitae), Labcorp
Classification: Uncertain significance for Arrhythmogenic right ventricular dysplasia 12; Naxos disease. Last evaluated: 2022-03-18. Review status: criteria provided, single submitter. Criteria: Invitae Variant Classification Sherloc (09022015). Collection method: clinical testing. Allele origin: germline.
Comment: This sequence change replaces methionine, which is neutral and non-polar, with valine, which is neutral and non-polar, at codon 43 of the JUP protein (p.Met43Val). This variant is not present in population databases (gnomAD no frequency). This variant has not been reported in the literature in individuals affected with JUP-related conditions. ClinVar contains an entry for this variant (Variation ID: 935793). Algorithms developed to predict the effect of missense changes on protein structure and function output the following: SIFT: "Tolerated"; PolyPhen-2: "Benign"; Align-GVGD: "Class C0". The valine amino acid residue is found in multiple mammalian species, which suggests that this missense change does not adversely affect protein function. In summary, the available evidence is currently insufficient to determine the role of this variant in disease. Therefore, it has been classified as a Variant of Uncertain Significance.

NM_002230.4(JUP):c.127A>G (p.Met43Val)

Gene: JUP (junction plakoglobin; minus strand). Cytogenetic location: 17q21.2.
Variant type: single nucleotide variant.
Coding change: c.127A>G on transcript NM_002230.4 (MANE Select); coding-DNA position 127, A replaced by G.
Protein change: p.Met43Val; replaces methionine 43 with valine.
Molecular consequence: missense variant.
Genome position (GRCh38, 1-based): chr17:41,771,728, T>C on the plus strand (A>G on the coding strand, the complement: JUP is on the minus strand). VCF-style: chr17-41771728-T-C. GRCh37 (hg19) VCF-style: chr17-39927980-T-C.
Other names: c.127A>G, p.Met43Val (NM_001352773.2, NM_001352774.2, NM_001352775.2 and 3 more transcripts); short protein forms M43V.
Identifiers: ClinVar variation 935793 (VCV000935793.9), dbSNP rs1916678676, ClinGen allele CA399506893.
Genomic context (GRCh38, chr17:41,771,728, plus strand): 5'-GGGTGTAAGTGGTGGTTTTCTTGAGCGTGTACTGGCGCCCGCAGGCCTCATCCTCCTCCA[T>C]GATGCCCTTGCTGCTGACGGAGGGCACGCAGGTGTTGGCGCCCGAGTGGATACCCGAGTC-3'
Protein context (NP_002221.1, residues 33-53): CVPSVSSKGI[Met43Val]EEDEACGRQY